The following is an entry in ClinVar:

NM_017780.4(CHD7):c.2200T>C (p.Ser734Pro)

Gene: CHD7 (chromodomain helicase DNA binding protein 7; plus strand). Cytogenetic location: 8q12.2.
Variant type: single nucleotide variant.
Coding change: c.2200T>C on transcript NM_017780.4 (MANE Select); coding-DNA position 2200, T replaced by C.
Protein change: p.Ser734Pro; replaces serine 734 with proline.
Molecular consequence: missense variant. On other transcripts: intron variant (1).
Genome position (GRCh38, 1-based): chr8:60,795,089, T>C. VCF-style: chr8-60795089-T-C. GRCh37 (hg19) VCF-style: chr8-61707648-T-C.
Other names: c.1716+14039T>C (NM_001316690.1); short protein forms S734P.
Identifiers: ClinVar variation 588463 (VCV000588463.5), dbSNP rs760034081, ClinGen allele CA4759637.

ClinVar aggregate classification (germline): Uncertain significance (1 of 4 stars; one submission).

Conditions:
Inborn genetic diseases. Identifiers: MedGen C0950123, MeSH D030342.

Allele frequency attached by ClinVar (database versions not stated): ExAC 0.00002; gnomAD exomes 0.00002.
gnomAD v4.1: 6 of 1,613,668 alleles (0.00037%); highest among the groups gnomAD compares: South Asian, 0.0066%; 1 homozygote.

Submission:

Ambry Genetics
Classification: Uncertain significance for Inborn genetic diseases. Last evaluated: 2016-11-18. Review status: criteria provided, single submitter. Criteria: Ambry Variant Classification Scheme 2023. Collection method: clinical testing. Allele origin: germline.
Comment: The p.S734P variant (also known as c.2200T>C), located in coding exon 3 of the CHD7 gene, results from a T to C substitution at nucleotide position 2200. The serine at codon 734 is replaced by proline, an amino acid with similar properties. This variant was not reported in population based cohorts in the following databases: Database of Single Nucleotide Polymorphisms (dbSNP), NHLBI Exome Sequencing Project (ESP), and 1000 Genomes Project. In the ESP, this variant was not observed in 5911 samples (11822 alleles) with coverage at this position. This amino acid position is highly conserved in available vertebrate species. In addition, the in silico prediction for this alteration is inconclusive. Since supporting evidence is limited at this time, the clinical significance of this variant remains unclear.